The following is an entry in ClinVar:

NM_001127208.3(TET2):c.2441G>A (p.Arg814His)

Genes: TET2 (tet methylcytosine dioxygenase 2; plus strand), TET2-AS1 (TET2 antisense RNA 1; minus strand). Cytogenetic location: 4q24.
Variant type: single nucleotide variant.
Coding change: c.2441G>A on transcript NM_001127208.3 (MANE Select); coding-DNA position 2441, G replaced by A.
Protein change: p.Arg814His; replaces arginine 814 with histidine.
Molecular consequence: missense variant.
Genome position (GRCh38, 1-based): chr4:105,236,383, G>A. VCF-style: chr4-105236383-G-A. GRCh37 (hg19) VCF-style: chr4-106157540-G-A.
Other names: c.2441G>A, p.Arg814His (NM_017628.4); short protein forms R814H.
Identifiers: ClinVar variation 2195176 (VCV002195176.6), dbSNP rs140017616, ClinGen allele CA3031881.
Genomic context (GRCh38, chr4:105,236,383, plus strand): 5'-CAAGCGAGTTCGAGACTCATAATGTCCAAATGGGACTGGAGGAAGTACAGAATATAAATC[G>A]TAGAAATTCCCCTTATAGTCAGACCATGAAATCAAGTGCATGCAAAATACAGGTTTCTTG-3'
Protein context (NP_001120680.1, residues 804-824): MGLEEVQNIN[Arg814His]RNSPYSQTMK

ClinVar aggregate classification (germline): Uncertain significance. Review status: criteria provided, multiple submitters, no conflicts (2 of 4 stars). 2 submissions from 2 submitters: Uncertain significance (2). Last evaluated 2026-03-01.

Allele frequency attached by ClinVar (database versions not stated): ExAC 0.00012; gnomAD 0.00012; gnomAD exomes 0.00013; ESP Exome Variant Server 0.00015.
gnomAD v4.1: 208 of 1,613,804 alleles (0.013%); highest among the groups gnomAD compares: Non-Finnish European, 0.016%; no homozygotes.

Submissions (2):

CeGaT Center for Human Genetics Tuebingen
Classification: Uncertain significance. Last evaluated: 2026-03-01. Review status: criteria provided, single submitter. Criteria: CeGaT Center For Human Genetics Tuebingen Variant Classification Criteria Version 2. Collection method: clinical testing. Allele origin: germline. Affected: yes. Observed: 1 variant allele.
Comment: TET2: PM2, BP4

Labcorp Genetics (formerly Invitae), Labcorp
Classification: Uncertain significance. Last evaluated: 2023-09-04. Review status: criteria provided, single submitter. Criteria: Invitae Variant Classification Sherloc (09022015). Collection method: clinical testing. Allele origin: germline.
Comment: This sequence change replaces arginine, which is basic and polar, with histidine, which is basic and polar, at codon 814 of the TET2 protein (p.Arg814His). This variant is present in population databases (rs140017616, gnomAD 0.02%). This variant has not been reported in the literature in individuals affected with TET2-related conditions. ClinVar contains an entry for this variant (Variation ID: 2195176). An algorithm developed to predict the effect of missense changes on protein structure and function (PolyPhen-2) suggests that this variant¬†is likely to be tolerated. In summary, the available evidence is currently insufficient to determine the role of this variant in disease. Therefore, it has been classified as a Variant of Uncertain Significance.